The following is an entry in ClinVar:

ClinVar aggregate classification (germline): Pathogenic (1 of 4 stars; one submission).

Conditions:
Distal myopathy with posterior leg and anterior hand involvement. Also called: WILLIAMS DISTAL MYOPATHY. Identifiers: Orphanet 63273, MedGen C3279722, MONDO:0013550, OMIM 614065.
Hypertrophic cardiomyopathy 26. Also called: Cardiomyopathy, familial hypertrophic, 26. Identifiers: Orphanet 75249, MedGen C4310749, MONDO:0014883, OMIM 617047.
Myofibrillar myopathy 5. Also called: Filaminopathy (type); FILAMINOPATHY, AUTOSOMAL DOMINANT. Identifiers: Orphanet 171445, MedGen C1836050, MONDO:0012289, OMIM 609524.

Submission:

Labcorp Genetics (formerly Invitae), Labcorp
Classification: Pathogenic for Distal myopathy with posterior leg and anterior hand involvement; Myofibrillar myopathy 5; Hypertrophic cardiomyopathy 26. Last evaluated: 2024-09-30. Review status: criteria provided, single submitter. Criteria: Invitae Variant Classification Sherloc (09022015). Collection method: clinical testing. Allele origin: germline.
Comment: This sequence change creates a premature translational stop signal (p.Gly382Alafs*32) in the FLNC gene. It is expected to result in an absent or disrupted protein product. Loss-of-function variants in FLNC are known to be pathogenic (PMID: 27908349). This variant is not present in population databases (gnomAD no frequency). This variant has not been reported in the literature in individuals affected with FLNC-related conditions. For these reasons, this variant has been classified as Pathogenic.

Literature cited by the submitters: PubMed 27908349.

NM_001458.5(FLNC):c.1145del (p.Gly382fs)

Gene: FLNC (filamin C; plus strand). Cytogenetic location: 7q32.1.
Variant type: Deletion.
Coding change: c.1145del on transcript NM_001458.5 (MANE Select); coding-DNA position 1145, one base deleted (G; older notation c.1145delG).
Protein change: p.Gly382fs; shifts the reading frame from glycine 382.
Molecular consequence: frameshift variant.
Genome position (GRCh38, 1-based): chr7:128,838,364, G deleted; the last of 2 consecutive G bases (chr7:128,838,363-128,838,364); deleting either gives the same sequence. VCF-style (leftmost placement, unchanged base first): chr7-128838362-TG-T. GRCh37 (hg19) VCF-style: chr7-128478416-TG-T.
Other names: c.1145del, p.Gly382fs (NM_001127487.2); short protein forms G382fs.
Identifiers: ClinVar variation 3759316 (VCV003759316.2).